The following is an entry in ClinVar:

NM_001845.6(COL4A1):c.4036C>T (p.Pro1346Ser)

Gene: COL4A1 (collagen type IV alpha 1 chain; minus strand). Cytogenetic location: 13q34.
Variant type: single nucleotide variant.
Coding change: c.4036C>T on transcript NM_001845.6 (MANE Select); coding-DNA position 4036, C replaced by T.
Protein change: p.Pro1346Ser; replaces proline 1346 with serine.
Molecular consequence: missense variant.
Genome position (GRCh38, 1-based): chr13:110,164,976, G>A on the plus strand (C>T on the coding strand, the complement: COL4A1 is on the minus strand). VCF-style: chr13-110164976-G-A. GRCh37 (hg19) VCF-style: chr13-110817323-G-A.
Other names: c.4036C>T (NM_001845.4); short protein forms P1346S.
Identifiers: ClinVar variation 1933117 (VCV001933117.6), dbSNP rs751011047, ClinGen allele CA7047037.

ClinVar aggregate classification (germline): Uncertain significance. Review status: criteria provided, multiple submitters, no conflicts (2 of 4 stars). 2 submissions from 2 submitters: Uncertain significance (2). Last evaluated 2024-09-27.

Allele frequency attached by ClinVar (database versions not stated): gnomAD 0.00001; gnomAD exomes 0.00001; TOPMed 0.00001; ExAC 0.00004.
gnomAD v4.1: 12 of 1,604,498 alleles (0.00075%); highest among the groups gnomAD compares: South Asian, 0.0034%; no homozygotes.

Submissions (2):

Labcorp Genetics (formerly Invitae), Labcorp
Classification: Uncertain significance. Last evaluated: 2024-09-27. Review status: criteria provided, single submitter. Criteria: Invitae Variant Classification Sherloc (09022015). Collection method: clinical testing. Allele origin: germline.
Comment: This sequence change replaces proline, which is neutral and non-polar, with serine, which is neutral and polar, at codon 1346 of the COL4A1 protein (p.Pro1346Ser). The frequency data for this variant in the population databases is considered unreliable, as metrics indicate poor data quality at this position in the gnomAD database. This variant has not been reported in the literature in individuals affected with COL4A1-related conditions. ClinVar contains an entry for this variant (Variation ID: 1933117). An algorithm developed to predict the effect of missense changes on protein structure and function (PolyPhen-2) suggests that this variant is likely to be disruptive. In summary, the available evidence is currently insufficient to determine the role of this variant in disease. Therefore, it has been classified as a Variant of Uncertain Significance.

GeneDx
Classification: Uncertain significance. Last evaluated: 2022-12-30. Review status: criteria provided, single submitter. Criteria: GeneDx Variant Classification Process June 2021. Collection method: clinical testing. Allele origin: germline. Affected: yes.
Comment: In silico analysis supports that this missense variant has a deleterious effect on protein structure/function; Occurs in the triple helical domain at the Y position in the canonical Gly-X-Y repeat; although this variant may have an effect on normal protein folding and function, missense substitution at the Y position is not a common mechanism of disease; Has not been previously published as pathogenic or benign to our knowledge